The following is an entry in ClinVar:

NM_016734.3(PAX5):c.764C>A (p.Pro255His)

Gene: PAX5 (paired box 5; minus strand). Cytogenetic location: 9p13.2.
Variant type: single nucleotide variant.
Coding change: c.764C>A on transcript NM_016734.3 (MANE Select); coding-DNA position 764, C replaced by A.
Protein change: p.Pro255His; replaces proline 255 with histidine.
Molecular consequence: missense variant. On other transcripts: non-coding transcript variant (2).
Genome position (GRCh38, 1-based): chr9:36,966,565, G>T on the plus strand (C>A on the coding strand, the complement: PAX5 is on the minus strand). VCF-style: chr9-36966565-G-T. GRCh37 (hg19) VCF-style: chr9-36966562-G-T.
Other names: c.764C>A, p.Pro255His (NM_001280547.2, NM_001280548.2, NM_001280549.2 and 2 more transcripts); c.440C>A, p.Pro147His (NM_001280551.2, NM_001280556.2); c.635C>A, p.Pro212His (NM_001280553.2, NM_001280554.2); c.566C>A, p.Pro189His (NM_001280555.2); short protein forms P147H, P212H, P255H, P189H.
Identifiers: ClinVar variation 3414508 (VCV003414508.1).
Genomic context (GRCh38, chr9:36,966,565, plus strand): 5'-GTGTGGCGGTGGCAGGTGTGGTGGGCGTGCATCACGAGGCGTACCTGCTCGGGCTTGATG[G>T]GCTCTGTGGTGGTGAAGATGTCTGAGTAGTGCTGCCTCTCAAACACGCGGTCCAGCACCT-3'
Protein context (NP_057953.1, residues 245-265): HYSDIFTTTE[Pro255His]IKPEQTTEYS

ClinVar aggregate classification (germline): Uncertain significance (1 of 4 stars; one submission).

Conditions:
Inborn genetic diseases. Identifiers: MedGen C0950123, MeSH D030342.

gnomAD v4.1: 8 of 1,613,944 alleles (0.0005%); highest among the groups gnomAD compares: African/African-American, 0.011%; no homozygotes.

Submission:

Ambry Genetics
Classification: Uncertain significance for Inborn genetic diseases. Last evaluated: 2024-10-02. Review status: criteria provided, single submitter. Criteria: Ambry Variant Classification Scheme 2023. Collection method: clinical testing. Allele origin: germline.
Comment: The p.P255H variant (also known as c.764C>A), located in coding exon 6 of the PAX5 gene, results from a C to A substitution at nucleotide position 764. The proline at codon 255 is replaced by histidine, an amino acid with similar properties. This amino acid position is conserved. In addition, the in silico prediction for this alteration is inconclusive. Based on the available evidence, the clinical significance of this variant remains unclear.